The following is an entry in ClinVar:

ClinVar aggregate classification (germline): Uncertain significance (1 of 4 stars; one submission).

Conditions:
Encephalopathy, acute, infection-induced (herpes-specific), susceptibility to, 1. Also called: Herpes simplex encephalitis, susceptibility to, 1. Identifiers: Orphanet 1930, MedGen C2750180, MONDO:0024563, OMIM 610551.

gnomAD v4.1: 4 of 1,614,102 alleles (0.00025%); highest among the groups gnomAD compares: African/African-American, 0.0053%; no homozygotes.

Submission:

Labcorp Genetics (formerly Invitae), Labcorp
Classification: Uncertain significance for Encephalopathy, acute, infection-induced (herpes-specific), susceptibility to, 1. Last evaluated: 2026-01-21. Review status: criteria provided, single submitter. Criteria: Invitae Variant Classification Sherloc (09022015). Collection method: clinical testing. Allele origin: germline.
Comment: This sequence change replaces asparagine, which is neutral and polar, with lysine, which is basic and polar, at codon 494 of the TLR3 protein (p.Asn494Lys). This variant is present in population databases (rs772033168, gnomAD 0.008%). This variant has not been reported in the literature in individuals affected with TLR3-related conditions. An algorithm developed to predict the effect of missense changes on protein structure and function (PolyPhen-2) suggests that this variant is likely to be tolerated. In summary, the available evidence is currently insufficient to determine the role of this variant in disease. Therefore, it has been classified as a Variant of Uncertain Significance.

NM_003265.3(TLR3):c.1482T>G (p.Asn494Lys)

Gene: TLR3 (toll like receptor 3; plus strand). Cytogenetic location: 4q35.1.
Variant type: single nucleotide variant.
Coding change: c.1482T>G on transcript NM_003265.3 (MANE Select); coding-DNA position 1482, T replaced by G.
Protein change: p.Asn494Lys; replaces asparagine 494 with lysine.
Molecular consequence: missense variant.
Genome position (GRCh38, 1-based): chr4:186,083,168, T>G. VCF-style: chr4-186083168-T-G. GRCh37 (hg19) VCF-style: chr4-187004322-T-G.
Other names: short protein forms N494K.
Identifiers: ClinVar variation 4697065 (VCV004697065.1).
Genomic context (GRCh38, chr4:186,083,168, plus strand): 5'-CTCCTTTGCCTTGGTCCCAAGCCTTCAACGACTGATGCTCCGAAGGGTGGCCCTTAAAAA[T>G]GTGGATAGCTCTCCTTCACCATTCCAGCCTCTTCGTAACTTGACCATTCTGGATCTAAGC-3'
Protein context (NP_003256.1, residues 484-504): RLMLRRVALK[Asn494Lys]VDSSPSPFQP